The following is an entry in ClinVar:

NM_005876.5(SPEG):c.1625C>G (p.Pro542Arg)

Gene: SPEG (striated muscle enriched protein kinase; plus strand). Cytogenetic location: 2q35.
Variant type: single nucleotide variant.
Coding change: c.1625C>G on transcript NM_005876.5 (MANE Select); coding-DNA position 1625, C replaced by G.
Protein change: p.Pro542Arg; replaces proline 542 with arginine.
Molecular consequence: missense variant.
Genome position (GRCh38, 1-based): chr2:219,448,783, C>G. VCF-style: chr2-219448783-C-G. GRCh37 (hg19) VCF-style: chr2-220313505-C-G.
Other names: short protein forms P542R.
Identifiers: ClinVar variation 1983447 (VCV001983447.1), dbSNP rs927960851, ClinGen allele CA66004760.

ClinVar aggregate classification (germline): Uncertain significance (1 of 4 stars; one submission).

gnomAD v4.1: 46 of 1,421,326 alleles (0.0032%); highest among the groups gnomAD compares: Non-Finnish European, 0.0037%; no homozygotes.

Submission:

Labcorp Genetics (formerly Invitae), Labcorp
Classification: Uncertain significance. Last evaluated: 2022-05-04. Review status: criteria provided, single submitter. Criteria: Invitae Variant Classification Sherloc (09022015). Collection method: clinical testing. Allele origin: germline.
Comment: This sequence change replaces proline, which is neutral and non-polar, with arginine, which is basic and polar, at codon 542 of the SPEG protein (p.Pro542Arg). This variant is present in population databases (no rsID available, gnomAD 0.02%). This variant has not been reported in the literature in individuals affected with SPEG-related conditions. Algorithms developed to predict the effect of missense changes on protein structure and function are either unavailable or do not agree on the potential impact of this missense change (SIFT: "Tolerated"; PolyPhen-2: "Probably Damaging"; Align-GVGD: "Class C0"). In summary, the available evidence is currently insufficient to determine the role of this variant in disease. Therefore, it has been classified as a Variant of Uncertain Significance.